The following is an entry in ClinVar:

NM_006031.6(PCNT):c.7492C>T (p.Gln2498Ter)

Gene: PCNT (pericentrin; plus strand). Cytogenetic location: 21q22.3.
Variant type: single nucleotide variant.
Coding change: c.7492C>T on transcript NM_006031.6 (MANE Select); coding-DNA position 7492, C replaced by T.
Protein change: p.Gln2498Ter; replaces glutamine 2498 with a stop codon.
Molecular consequence: nonsense.
Genome position (GRCh38, 1-based): chr21:46,427,793, C>T. VCF-style: chr21-46427793-C-T. GRCh37 (hg19) VCF-style: chr21-47847707-C-T.
Other names: c.7138C>T, p.Gln2380Ter (NM_001315529.2); short protein forms Q2380*, Q2498*.
Identifiers: ClinVar variation 2807777 (VCV002807777.3), dbSNP rs1405387434, ClinGen allele CA410569114.
Genomic context (GRCh38, chr21:46,427,793, plus strand): 5'-GGCTCAGATCTGGGGGGTCACAGCTCCCTGCTCGAAAGGCTGGAGAAGATCATCCGTGAG[C>T]AGGTGAGTGTCAGCTCTGCCACCAGGCCTCAGTTTGCCCCAGGGGTCCAGCCCTGGCAGA-3'

ClinVar aggregate classification (germline): Pathogenic (1 of 4 stars; one submission).

Allele frequency attached by ClinVar (database versions not stated): gnomAD exomes below 0.00001; gnomAD 0.00001.
gnomAD v4.1: 3 of 1,613,164 alleles (0.00019%); highest among the groups gnomAD compares: Non-Finnish European, 0.00017%; no homozygotes.

Submission:

Labcorp Genetics (formerly Invitae), Labcorp
Classification: Pathogenic. Last evaluated: 2023-10-18. Review status: criteria provided, single submitter. Criteria: Invitae Variant Classification Sherloc (09022015). Collection method: clinical testing. Allele origin: germline.
Comment: This sequence change creates a premature translational stop signal (p.Gln2498*) in the PCNT gene. It is expected to result in an absent or disrupted protein product. Loss-of-function variants in PCNT are known to be pathogenic (PMID: 18174396, 22821869). The frequency data for this variant in the population databases is considered unreliable, as metrics indicate poor data quality at this position in the gnomAD database. This variant has not been reported in the literature in individuals affected with PCNT-related conditions. Algorithms developed to predict the effect of sequence changes on RNA splicing suggest that this variant may create or strengthen a splice site. For these reasons, this variant has been classified as Pathogenic.

Literature cited by the submitters: PubMed 18174396; PubMed 22821869.